The following is an entry in ClinVar:

ClinVar aggregate classification (germline): Conflicting classifications of pathogenicity. Review status: criteria provided, conflicting classifications (1 of 4 stars). 5 submissions from 5 submitters: Pathogenic (2); Likely pathogenic (1); Uncertain significance (1). 1 of the submissions does not count toward it. Last evaluated 2024-10-29.

Conditions:
Retinitis pigmentosa 12 (RP12). Also called: RP WITH OR WITHOUT PRESERVED PARAARTERIOLE RETINAL PIGMENT EPITHELIUM; RETINITIS PIGMENTOSA WITH OR WITHOUT PARAARTERIOLAR PRESERVATION OF RETINAL PIGMENT EPITHELIUM; RP WITH OR WITHOUT PPRPE. Identifiers: Orphanet 791, MedGen C1838647, MONDO:0010818, OMIM 600105.
Leber congenital amaurosis 8 (LCA8). Identifiers: Orphanet 65, MedGen C3151202, MONDO:0013453, OMIM 613835.
Pigmented paravenous retinochoroidal atrophy. Identifiers: Orphanet 251295, MedGen C1868310, MONDO:0008246, OMIM 172870.
CRB1-related disorder. Also called: CRB1-related condition; CRB1-related disorders.
Leber congenital amaurosis (LCA). Also called: Leber's amaurosis. Identifiers: Orphanet 65, MedGen C0339527, MeSH D057130, MONDO:0018998.

Allele frequency attached by ClinVar (database versions not stated): gnomAD 0.00001; gnomAD exomes 0.00001 and 0.00002; TOPMed 0.00001; ExAC 0.00002.
gnomAD v4.1: 12 of 1,614,072 alleles (0.00074%); highest among the groups gnomAD compares: Middle Eastern, 0.066%; no homozygotes.

Submissions (5):

Labcorp Genetics (formerly Invitae), Labcorp
Classification: Pathogenic for Leber congenital amaurosis 8; Retinitis pigmentosa 12. Last evaluated: 2024-10-29. Review status: criteria provided, single submitter. Criteria: Invitae Variant Classification Sherloc (09022015). Collection method: clinical testing. Allele origin: germline.
Comment: This sequence change replaces glutamic acid, which is acidic and polar, with lysine, which is basic and polar, at codon 1333 of the CRB1 protein (p.Glu1333Lys). This variant is present in population databases (rs137853136, gnomAD 0.003%). This missense change has been observed in individuals with retinitis pigmentosa (PMID: 26667666; internal data). ClinVar contains an entry for this variant (Variation ID: 632096). Invitae Evidence Modeling of protein sequence and biophysical properties (such as structural, functional, and spatial information, amino acid conservation, physicochemical variation, residue mobility, and thermodynamic stability) indicates that this missense variant is expected to disrupt CRB1 protein function with a positive predictive value of 95%. For these reasons, this variant has been classified as Pathogenic.

Fulgent Genetics
Classification: Likely pathogenic for Pigmented paravenous retinochoroidal atrophy; Retinitis pigmentosa 12; Leber congenital amaurosis 8. Last evaluated: 2024-06-12. Review status: criteria provided, single submitter. Criteria: ACMG Guidelines, 2015. Collection method: clinical testing. Allele origin: germline.

Women's Health and Genetics/Laboratory Corporation of America, LabCorp
Classification: Uncertain significance. Last evaluated: 2023-07-07. Review status: criteria provided, single submitter. Criteria: LabCorp Variant Classification Summary - May 2015. Collection method: clinical testing. Allele origin: germline.
Comment: Variant summary: CRB1 c.3997G>A (p.Glu1333Lys) results in a conservative amino acid change located in the EGF-like domain (IPR000742) of the encoded protein sequence. Four of five in-silico tools predict a damaging effect of the variant on protein function. The variant allele was found at a frequency of 1.6e-05 in 251414 control chromosomes. The available data on variant occurrences in the general population are insufficient to allow any conclusion about variant significance. c.3997G>A has been reported in the literature in at least one compound heterozygous individual affected with Retinitis Pigmentosa (example: Ge_2015). These data do not allow any conclusion about variant significance. To our knowledge, no experimental evidence demonstrating an impact on protein function has been reported. The following publication has been ascertained in the context of this evaluation (PMID: 26667666). Four submitters have cited clinical-significance assessments for this variant to ClinVar after 2014, classifying the variant as uncertain significance (n=3) or pathogenic (n=1). Based on the evidence outlined above, the variant was classified as uncertain significance.

Blueprint Genetics
Classification: Pathogenic for CRB1-related disorders. Last evaluated: 2022-11-14. Review status: criteria provided, single submitter. Criteria: ACMG Guidelines, 2015. Collection method: clinical testing. Allele origin: germline. Affected: yes. Observed: 5 variant alleles.

Natera, Inc.
Classification: Uncertain significance for Leber congenital amaurosis. Last evaluated: 2020-01-15. Review status: no assertion criteria provided. Collection method: clinical testing. Allele origin: germline. Not counted in ClinVar's aggregate classification.

Literature cited by the submitters: PubMed 26667666 (cited by Labcorp Genetics (formerly Invitae), Labcorp and Women's Health and Genetics/Laboratory Corporation of America, LabCorp).

NM_201253.3(CRB1):c.3997G>A (p.Glu1333Lys)

Gene: CRB1 (crumbs cell polarity complex component 1; plus strand). Cytogenetic location: 1q31.3.
Variant type: single nucleotide variant.
Coding change: c.3997G>A on transcript NM_201253.3 (MANE Select); coding-DNA position 3997, G replaced by A.
Protein change: p.Glu1333Lys; replaces glutamic acid 1333 with lysine.
Molecular consequence: missense variant. On other transcripts: non-coding transcript variant (2).
Genome position (GRCh38, 1-based): chr1:197,442,284, G>A. VCF-style: chr1-197442284-G-A. GRCh37 (hg19) VCF-style: chr1-197411414-G-A.
Other names: c.3661G>A, p.Glu1221Lys (NM_001193640.2); c.3925G>A, p.Glu1309Lys (NM_001257965.2); c.2389G>A, p.Glu797Lys (NM_001257966.2); short protein forms E1333K, E1309K, E1221K, E797K.
Identifiers: ClinVar variation 632096 (VCV000632096.16), dbSNP rs137853136, ClinGen allele CA1312459.
Genomic context (GRCh38, chr1:197,442,284, plus strand): 5'-CAGGACTTACTCAACAAATTCCAGTGCCTCTGTGATGTTGCCTTTGCTGGCGAGCGCTGC[G>A]AGGTGGACGTAAGCAGCCTCTCCTTTTATGTCTCTCTCTTATTCTGGCAGAATCTTTTTC-3'
Protein context (NP_957705.1, residues 1323-1343): CDVAFAGERC[Glu1333Lys]VDLADDLISD